The following is an entry in ClinVar:

ClinVar aggregate classification (germline): Conflicting classifications of pathogenicity. Review status: criteria provided, conflicting classifications (1 of 4 stars). 5 submissions from 5 submitters: Uncertain significance (4); Likely benign (1). Last evaluated 2025-11-19.

Conditions:
LAMA2-related disorder. Also called: LAMA2-related disorders; LAMA2-related condition.
LAMA2-related muscular dystrophy (LAMA2-RD). Also called: Laminin alpha 2-related dystrophy. Identifiers: MedGen C5679788, MONDO:0100228.
Congenital muscular dystrophy due to partial LAMA2 deficiency. Identifiers: MedGen C1842898.

Allele frequency attached by ClinVar (database versions not stated): gnomAD 0.00003 and 0.00004; TOPMed 0.00004; gnomAD exomes 0.00005 and 0.00006; ExAC 0.00007.
gnomAD v4.1: 91 of 1,612,890 alleles (0.0056%); highest among the groups gnomAD compares: South Asian, 0.024%; no homozygotes.

Submissions (5):

Labcorp Genetics (formerly Invitae), Labcorp
Classification: Likely benign for LAMA2-related muscular dystrophy. Last evaluated: 2025-11-19. Review status: criteria provided, single submitter. Criteria: Invitae Variant Classification Sherloc (09022015). Collection method: clinical testing. Allele origin: germline.

PreventionGenetics, part of Exact Sciences
Classification: Uncertain significance for LAMA2-related condition. Last evaluated: 2025-02-10. Review status: criteria provided, single submitter. Criteria: ACMG Guidelines, 2015. Collection method: clinical testing. Allele origin: germline.
Comment: The LAMA2 c.8690G>A variant is predicted to result in the amino acid substitution p.Arg2897Gln. To our knowledge, this variant has not been reported in the literature. This variant is reported in 0.020% of alleles in individuals of South Asian descent in gnomAD. At this time, the clinical significance of this variant is uncertain due to the absence of conclusive functional and genetic evidence.

GeneDx
Classification: Uncertain significance. Last evaluated: 2024-06-08. Review status: criteria provided, single submitter. Criteria: GeneDx Variant Classification Process June 2021. Collection method: clinical testing. Allele origin: germline. Affected: yes.
Comment: Has not been previously published as pathogenic or benign to our knowledge; In silico analysis indicates that this missense variant does not alter protein structure/function; In silico analysis suggests this variant may impact gene splicing. In the absence of RNA/functional studies, the actual effect of this sequence change is unknown.

Revvity Omics, Revvity
Classification: Uncertain significance. Last evaluated: 2019-07-10. Review status: criteria provided, single submitter. Criteria: ACMG Guidelines, 2015. Collection method: clinical testing. Allele origin: germline.

Illumina Laboratory Services, Illumina
Classification: Uncertain significance for Congenital muscular dystrophy due to partial LAMA2 deficiency. Last evaluated: 2018-01-13. Review status: criteria provided, single submitter. Criteria: ICSL Variant Classification Criteria 13 December 2019. Collection method: clinical testing. Allele origin: germline.

NM_000426.4(LAMA2):c.8690G>A (p.Arg2897Gln)

Gene: LAMA2 (laminin subunit alpha 2; plus strand). Cytogenetic location: 6q22.33.
Variant type: single nucleotide variant.
Coding change: c.8690G>A on transcript NM_000426.4 (MANE Select); coding-DNA position 8690, G replaced by A.
Protein change: p.Arg2897Gln; replaces arginine 2897 with glutamine.
Molecular consequence: missense variant.
Genome position (GRCh38, 1-based): chr6:129,505,342, G>A. VCF-style: chr6-129505342-G-A. GRCh37 (hg19) VCF-style: chr6-129826487-G-A.
Other names: p.R2897Q:CGA>CAA; c.8678G>A, p.Arg2893Gln (NM_001079823.2); short protein forms R2897Q, R2893Q.
Identifiers: ClinVar variation 162581 (VCV000162581.15), dbSNP rs201696115, ClinGen allele CA295407.
Genomic context (GRCh38, chr6:129,505,342, plus strand): 5'-ACATCCTGGATGTCGTGGGAATGCTGTATGTTGGTGGGTTACCCATCAACTACACTACCC[G>A]AAGAATTGGTCCAGTAAATATCTGATTTCTTCTTTATTACTTAAATATATGGCTGATTCA-3'
Protein context (NP_000417.3, residues 2887-2907): VGGLPINYTT[Arg2897Gln]RIGPVTYSID